The following is an entry in ClinVar:

ClinVar aggregate classification (germline): Uncertain significance. Review status: criteria provided, multiple submitters, no conflicts (2 of 4 stars). 2 submissions from 2 submitters: Uncertain significance (2). Last evaluated 2025-04-16.

Conditions:
Treacher Collins syndrome 1 (TCS1). Also called: TCOF1-Related Treacher Collins Syndrome. Identifiers: Orphanet 861, MedGen CN315775, MONDO:0007944, OMIM 154500.
Inborn genetic diseases. Identifiers: MedGen C0950123, MeSH D030342.

gnomAD v4.1: 7 of 1,612,180 alleles (0.00043%); highest among the groups gnomAD compares: Middle Eastern, 0.017%; no homozygotes.

Submissions (2):

Ambry Genetics
Classification: Uncertain significance for Inborn genetic diseases. Last evaluated: 2025-04-16. Review status: criteria provided, single submitter. Criteria: Ambry Variant Classification Scheme 2023. Collection method: clinical testing. Allele origin: germline.

Labcorp Genetics (formerly Invitae), Labcorp
Classification: Uncertain significance for Treacher Collins syndrome 1. Last evaluated: 2025-03-31. Review status: criteria provided, single submitter. Criteria: Invitae Variant Classification Sherloc (09022015). Collection method: clinical testing. Allele origin: germline.
Comment: This sequence change replaces glycine, which is neutral and non-polar, with arginine, which is basic and polar, at codon 527 of the TCOF1 protein (p.Gly527Arg). This variant is present in population databases (rs749349831, gnomAD 0.0009%). This variant has not been reported in the literature in individuals affected with TCOF1-related conditions. Invitae Evidence Modeling of protein sequence and biophysical properties (such as structural, functional, and spatial information, amino acid conservation, physicochemical variation, residue mobility, and thermodynamic stability) indicates that this missense variant is not expected to disrupt TCOF1 protein function with a negative predictive value of 80%. In summary, the available evidence is currently insufficient to determine the role of this variant in disease. Therefore, it has been classified as a Variant of Uncertain Significance.

NM_001371623.1(TCOF1):c.1579G>A (p.Gly527Arg)

Gene: TCOF1 (treacle ribosome biogenesis factor 1; plus strand). Cytogenetic location: 5q32.
Variant type: single nucleotide variant.
Coding change: c.1579G>A on transcript NM_001371623.1 (MANE Select); coding-DNA position 1579, G replaced by A.
Protein change: p.Gly527Arg; replaces glycine 527 with arginine.
Molecular consequence: missense variant.
Genome position (GRCh38, 1-based): chr5:150,375,429, G>A. VCF-style: chr5-150375429-G-A. GRCh37 (hg19) VCF-style: chr5-149754992-G-A.
Other names: c.1348G>A, p.Gly450Arg (NM_000356.4, NM_001135245.2); c.1579G>A, p.Gly527Arg (NM_001008657.3, NM_001135243.2, NM_001135244.2 and 1 more transcripts); short protein forms G527R, G450R.
Identifiers: ClinVar variation 3966635 (VCV003966635.2).